The following is an entry in ClinVar:

NM_017612.5(ZCCHC8):c.606G>A (p.Lys202=)

Gene: ZCCHC8 (zinc finger CCHC-type containing 8; minus strand). Cytogenetic location: 12q24.31.
Variant type: single nucleotide variant.
Coding change: c.606G>A on transcript NM_017612.5 (MANE Select); coding-DNA position 606, G replaced by A.
Protein change: p.Lys202=; no amino-acid change (lysine 202 retained).
Molecular consequence: synonymous variant. On other transcripts: intron variant (3).
Genome position (GRCh38, 1-based): chr12:122,483,344, C>T on the plus strand (G>A on the coding strand, the complement: ZCCHC8 is on the minus strand). VCF-style: chr12-122483344-C-T. GRCh37 (hg19) VCF-style: chr12-122967891-C-T.
Other names: c.309G>A, p.Lys103= (NM_001350936.2); c.-43-649G>A (NM_001350938.2, NM_001350937.2); c.502-1257G>A (NM_001350935.2).
Identifiers: ClinVar variation 1037228 (VCV001037228.7), dbSNP rs371895382, ClinGen allele CA6846413.

ClinVar aggregate classification (germline): Uncertain significance. Review status: criteria provided, multiple submitters, no conflicts (2 of 4 stars). 2 submissions from 2 submitters: Uncertain significance (2). Last evaluated 2026-01-05.

Allele frequency attached by ClinVar (database versions not stated): TOPMed 0.00006; gnomAD 0.00007 and 0.00009; ExAC 0.00008; ESP Exome Variant Server 0.00008.
gnomAD v4.1: 152 of 1,593,648 alleles (0.0095%); highest among the groups gnomAD compares: Non-Finnish European, 0.012%; no homozygotes.

Submissions (2):

Labcorp Genetics (formerly Invitae), Labcorp
Classification: Uncertain significance. Last evaluated: 2026-01-05. Review status: criteria provided, single submitter. Criteria: Invitae Variant Classification Sherloc (09022015). Collection method: clinical testing. Allele origin: germline.
Comment: This sequence change affects codon 202 of the ZCCHC8 mRNA. It is a 'silent' change, meaning that it does not change the encoded amino acid sequence of the ZCCHC8 protein. It affects a nucleotide within the consensus splice site. This variant is present in population databases (rs371895382, gnomAD 0.01%). This variant has not been reported in the literature in individuals affected with ZCCHC8-related conditions. ClinVar contains an entry for this variant (Variation ID: 1037228). Algorithms developed to predict the effect of sequence changes on RNA splicing suggest that this variant is not likely to affect RNA splicing. In summary, the available evidence is currently insufficient to determine the role of this variant in disease. Therefore, it has been classified as a Variant of Uncertain Significance.

Breakthrough Genomics
Classification: Uncertain significance. Review status: criteria provided, single submitter. Criteria: ACMG Guidelines, 2015. Collection method: not provided. Allele origin: germline. Inheritance: Autosomal dominant inheritance. Affected: yes.